The following is an entry in ClinVar:

NM_005902.4(SMAD3):c.803G>T (p.Arg268Leu)

Gene: SMAD3 (SMAD family member 3; plus strand). Cytogenetic location: 15q22.33.
Variant type: single nucleotide variant.
Coding change: c.803G>T on transcript NM_005902.4 (MANE Select); coding-DNA position 803, G replaced by T.
Protein change: p.Arg268Leu; replaces arginine 268 with leucine.
Molecular consequence: missense variant.
Genome position (GRCh38, 1-based): chr15:67,181,385, G>T. VCF-style: chr15-67181385-G-T. GRCh37 (hg19) VCF-style: chr15-67473723-G-T.
Other names: c.488G>T, p.Arg163Leu (NM_001407016.1, NM_001145102.2); c.218G>T, p.Arg73Leu (NM_001407017.1, NM_001145104.2); c.671G>T, p.Arg224Leu (NM_001145103.2, NM_001407012.1); c.803G>T, p.Arg268Leu (NM_001407011.1, NM_001407013.1); c.656G>T, p.Arg219Leu (NM_001407014.1); c.356G>T, p.Arg119Leu (NM_001407015.1); short protein forms R268L, R163L, R73L, R119L, R219L, R224L.
Identifiers: ClinVar variation 4170023 (VCV004170023.1).

ClinVar aggregate classification (germline): Likely pathogenic (1 of 4 stars; one submission).

Conditions:
Familial thoracic aortic aneurysm and aortic dissection (TAAD). Also called: Thoracic aortic aneurysms and dissections. Identifiers: Orphanet 91387, MedGen C4707243, MONDO:0019625.

Submission:

Ambry Genetics
Classification: Likely pathogenic for Familial thoracic aortic aneurysm and aortic dissection. Last evaluated: 2025-08-07. Review status: criteria provided, single submitter. Criteria: Ambry Variant Classification Scheme 2023. Collection method: clinical testing. Allele origin: germline.
Comment: The p.R268L variant (also known as c.803G>T), located in coding exon 6 of the SMAD3 gene, results from a G to T substitution at nucleotide position 803. The arginine at codon 268 is replaced by leucine, an amino acid with dissimilar properties. This variant was reported in individual(s) with features consistent with SMAD3-related Loeys-Dietz syndrome (Schepers D et al. Hum Mutat, 2018 May;39:621-634; Ambry internal data). Another variant at the same codon, p.R268H (c.803G>A), has been identified in individual(s) with features consistent with SMAD3-related Loeys-Dietz syndrome (Zarate YA et al. Genet Med, 2016 Apr;18:356-63). This missense alteration is located in a region that has a low rate of benign missense variation (Lek M et al. Nature. 2016 Aug 18;536(7616):285-91; DECIPHER: Database of Chromosomal Imbalance and Phenotype in Humans using Ensembl Resources. Firth H.V. et al. 2009. Am.J.Hum.Genet. 84, 524-533 (DOI)). This amino acid position is highly conserved in available vertebrate species. In addition, this alteration is predicted to be deleterious by in silico analysis. This variant is considered to be rare based on population cohorts in the Genome Aggregation Database (gnomAD). Based on the majority of available evidence to date, this variant is likely to be pathogenic.

Literature cited by the submitters: PubMed 29392890.